The following is an entry in ClinVar:

ClinVar aggregate classification (germline): Uncertain significance (1 of 4 stars; one submission).

Submission:

Labcorp Genetics (formerly Invitae), Labcorp
Classification: Uncertain significance. Last evaluated: 2021-06-01. Review status: criteria provided, single submitter. Criteria: Invitae Variant Classification Sherloc (09022015). Collection method: clinical testing. Allele origin: germline.
Comment: This variant is not present in population databases (ExAC no frequency). This variant has not been reported in the literature in individuals with DUOX2-related conditions. Advanced modeling of protein sequence and biophysical properties (such as structural, functional, and spatial information, amino acid conservation, physicochemical variation, residue mobility, and thermodynamic stability) performed at Invitae indicates that this missense variant is not expected to disrupt DUOX2 protein function. In summary, the available evidence is currently insufficient to determine the role of this variant in disease. Therefore, it has been classified as a Variant of Uncertain Significance. This sequence change replaces asparagine with lysine at codon 455 of the DUOX2 protein (p.Asn455Lys). The asparagine residue is moderately conserved and there is a moderate physicochemical difference between asparagine and lysine.

NM_001363711.2(DUOX2):c.1365C>G (p.Asn455Lys)

Gene: DUOX2 (dual oxidase 2; minus strand). Cytogenetic location: 15q21.1.
Variant type: single nucleotide variant.
Coding change: c.1365C>G on transcript NM_001363711.2 (MANE Select); coding-DNA position 1365, C replaced by G.
Protein change: p.Asn455Lys; replaces asparagine 455 with lysine.
Molecular consequence: missense variant.
Genome position (GRCh38, 1-based): chr15:45,108,822, G>C on the plus strand (C>G on the coding strand, the complement: DUOX2 is on the minus strand). VCF-style: chr15-45108822-G-C. GRCh37 (hg19) VCF-style: chr15-45401020-G-C.
Other names: c.1365C>G, p.Asn455Lys (NM_014080.5); short protein forms N455K.
Identifiers: ClinVar variation 1475435 (VCV001475435.8), dbSNP rs1894300373, ClinGen allele CA392276792.